The following is an entry in ClinVar:

ClinVar aggregate classification (germline): Uncertain significance (1 of 4 stars; one submission).

gnomAD v4.1: 1 of 1,613,274 alleles (0.000062%); highest among the groups gnomAD compares: Admixed American, 0.0017%; no homozygotes.

Submission:

GeneDx
Classification: Uncertain significance. Last evaluated: 2025-08-22. Review status: criteria provided, single submitter. Criteria: GeneDx Variant Classification Process June 2021. Collection method: clinical testing. Allele origin: germline.
Comment: In silico analysis supports that this missense variant has a deleterious effect on protein structure/function; Has not been previously published as pathogenic or benign to our knowledge

NM_001370100.5(ZMYND11):c.77G>A (p.Arg26Gln)

Gene: ZMYND11 (zinc finger MYND-type containing 11; plus strand). Cytogenetic location: 10p15.3.
Variant type: single nucleotide variant.
Coding change: c.77G>A on transcript NM_001370100.5 (MANE Select); coding-DNA position 77, G replaced by A.
Protein change: p.Arg26Gln; replaces arginine 26 with glutamine.
Molecular consequence: missense variant. On other transcripts: 5 prime UTR variant (3), non-coding transcript variant (1), intron variant (5).
Genome position (GRCh38, 1-based): chr10:180,089, G>A. VCF-style: chr10-180089-G-A. GRCh37 (hg19) VCF-style: chr10-226029-G-A.
Other names: c.77G>A, p.Arg26Gln (NM_001370119.2, NM_001370122.2, NM_006624.7 and 24 more transcripts); c.-70G>A (NM_001370123.2, NM_001330057.3, NM_001370112.2); c.-4-29800G>A (NM_001370118.2, NM_001370121.2); c.51-29800G>A (NM_001370116.2, NM_001370120.2); c.-34+45197G>A (NM_001370124.3); short protein forms R26Q.
Identifiers: ClinVar variation 3776364 (VCV003776364.2).